The following is an entry in ClinVar:

NM_000384.3(APOB):c.13293del (p.Phe4432fs)

Gene: APOB (apolipoprotein B; minus strand). Cytogenetic location: 2p24.1.
Variant type: Deletion.
Coding change: c.13293del on transcript NM_000384.3 (MANE Select); coding-DNA position 13293, one base deleted (C; older notation c.13293delC).
Protein change: p.Phe4432fs; shifts the reading frame from phenylalanine 4432.
Molecular consequence: frameshift variant.
Genome position (GRCh38, 1-based): chr2:21,002,129, G deleted on the plus strand (C on the coding strand, the reverse complement: APOB is on the minus strand). VCF-style (leftmost placement, unchanged base first): chr2-21002128-AG-A. GRCh37 (hg19) VCF-style: chr2-21225000-AG-A.
Other names: short protein forms F4432fs.
Identifiers: ClinVar variation 1770072 (VCV001770072.2), dbSNP rs2465348160, ClinGen allele CA2580064976.
Genomic context (GRCh38, chr2:21,002,128, plus strand): 5'-GATATTCCTGAATATTTCTGTGCAGAAATTGCTCAACTTGACTTGAGAGTTGGGAAGTAA[AG>A]TTAGAGGCACTGACAATATATTCAGAATGGAAGTCCTTAAGAGCAACTAACAGGTTCTTG-3'

ClinVar aggregate classification (germline): Uncertain significance (1 of 4 stars; one submission).

Conditions:
Cardiovascular phenotype. Identifiers: MedGen CN230736.

Allele frequency attached by ClinVar (database versions not stated): gnomAD exomes below 0.00001.

Submission:

Ambry Genetics
Classification: Uncertain significance for Cardiovascular phenotype. Last evaluated: 2019-01-16. Review status: criteria provided, single submitter. Criteria: Ambry Variant Classification Scheme 2023. Collection method: clinical testing. Allele origin: germline.
Comment: The c.13293delC variant, located in coding exon 29 of the APOB gene, results from a deletion of one nucleotide at nucleotide position 13293, causing a translational frameshift with a predicted alternate stop codon (p.F4432Lfs*45). Frameshifts are typically deleterious in nature, however, this frameshift occurs at the 3' terminus of APOB, is not expected to trigger nonsense-mediated mRNA decay, and impacts only the last 132 amino acids of the protein. The exact functional impact of these altered amino acids is unknown at this time. Since supporting evidence is limited at this time, the clinical significance of this alteration remains unclear.